The following is an entry in ClinVar:

ClinVar aggregate classification (germline): Likely pathogenic (1 of 4 stars; one submission).

Conditions:
Cardiac anomalies - developmental delay - facial dysmorphism syndrome (MRFACD). Also called: MED13L Syndrome; Impaired intellectual development and distinctive facial features with or without cardiac defects. Identifiers: Orphanet 369891, MedGen C5192431, MONDO:0014773, OMIM 616789.

Submission:

Victorian Clinical Genetics Services, Murdoch Childrens Research Institute
Classification: Likely pathogenic for Cardiac anomalies - developmental delay - facial dysmorphism syndrome. Last evaluated: 2023-07-17. Review status: criteria provided, single submitter. Criteria: ACMG Guidelines, 2015. Collection method: clinical testing. Allele origin: germline. Inheritance: Autosomal dominant inheritance. Affected: yes.
Comment: Based on the classification scheme VCGS_Germline_v1.3.4, this variant is classified as Likely pathogenic. Following criteria are met: 0102 - Loss of function is a known mechanism of disease in this gene and is associated with impaired intellectual development and distinctive facial features with or without cardiac defects (MIM#616789). (I) 0107 - This gene is associated with autosomal dominant disease. (I) 0115 - Variants in this gene are known to have variable expressivity, in terms of the presence of cardiac defects (PMID: 29511999). (I) 0210 - Splice site variant proven to affect splicing of the transcript with a known effect on protein sequence. Minigene analysis showed activation of a cryptic acceptor splice site at 8bp downstream, expected to result in a frameshift p.(Arg671Serfs*4) predicted to cause nonsense-mediated decay (NMD) (Prof. Robert J. Harvey, University of the Sunshine Coast). (SP) 0251 - This variant is heterozygous. (I) 0302 - Variant is present in gnomAD <0.001 for a dominant condition (v2, v3: 16 heterozygotes, 0 homozygotes); however, it has been flagged as potentially a low quality site. (I) 0505 - Abnormal splicing is predicted by in silico tools and affected nucleotide is highly conserved. (SP) 0701 - Other premature termination variants comparable to the one identified in this case have very strong previous evidence for pathogenicity. Many NMD-predicted variants in this gene have been reported as likely pathogenic/pathogenic (ClinVar). Another variant at this canonical splice site (c.2013-2A>T) has inconclusive previous evidence for pathogenicity. It has been reported as benign by a clinical testing laboratory but without further information provided (ClinVar). It has also been reported in a family with lateral temporal epilepsy with a causal variant in the RELN gene. The MED13L c.2013-2A>T variant was detected via whole exome sequencing and was listed as potentially deleterious (PMID: 26046367). (SP) 0806 - This variant has low previous evidence of being benign in unrelated individuals. This variant has been reported once as likely benign in LOVD. However, no evidence was provided and therefore was not taken into consideration during our classification. (I) 0906 - Segregation evidence for this variant is inconclusive. (I) 1007 - No published functional evidence has been identified for this variant. (I) 1207 - Parental origin of the variant is unresolved. (I) Legend: (SP) - Supporting pathogenic, (I) - Information, (SB) - Supporting benign

Literature cited by the submitters: PubMed 26046367; PubMed 29511999.

NM_015335.5(MED13L):c.2013-1G>T

Gene: MED13L (mediator complex subunit 13L; minus strand). Cytogenetic location: 12q24.21.
Variant type: single nucleotide variant.
Coding change: c.2013-1G>T on transcript NM_015335.5 (MANE Select); the canonical splice acceptor site of the intron before coding-DNA position 2013, G replaced by T.
Molecular consequence: splice acceptor variant.
Genome position (GRCh38, 1-based): chr12:116,007,637, C>A on the plus strand (G>T on the coding strand, the complement: MED13L is on the minus strand). VCF-style: chr12-116007637-C-A. GRCh37 (hg19) VCF-style: chr12-116445442-C-A.
Identifiers: ClinVar variation 1805397 (VCV001805397.2), dbSNP rs778958638, ClinGen allele CA244164127.